The following is an entry in ClinVar:

ClinVar aggregate classification (germline): Benign/Likely benign. Review status: criteria provided, multiple submitters, no conflicts (2 of 4 stars). 7 submissions from 7 submitters: Benign (1); Likely benign (5). 1 of the submissions does not count toward it. Last evaluated 2025-09-01.

Conditions:
Hereditary cancer-predisposing syndrome. Also called: Hereditary neoplastic syndrome; Neoplastic Syndromes, Hereditary; Hereditary Cancer Syndrome; Tumor predisposition. Identifiers: Orphanet 140162, MedGen C0027672, MeSH D009386, MONDO:0015356.
Familial adenomatous polyposis 1 (FAP1). Also called: FAMILIAL ADENOMATOUS POLYPOSIS 1, ATTENUATED; POLYPOSIS, ADENOMATOUS INTESTINAL. Identifiers: MedGen C2713442, MONDO:0021056, OMIM 175100. Disease mechanism: loss of function.
APC-related disorder. Also called: APC-related condition.
Classic or attenuated familial adenomatous polyposis. Identifiers: MedGen CN372698, MONDO:0021057.

Submissions (7):

Labcorp Genetics (formerly Invitae), Labcorp
Classification: Likely benign for Familial adenomatous polyposis 1. Last evaluated: 2025-09-01. Review status: criteria provided, single submitter. Criteria: Invitae Variant Classification Sherloc (09022015). Collection method: clinical testing. Allele origin: germline.

All of Us Research Program, National Institutes of Health
Classification: Likely benign for Classic or attenuated familial adenomatous polyposis. Last evaluated: 2024-06-11. Review status: criteria provided, single submitter. Criteria: ACMG Guidelines, 2015. Collection method: clinical testing. Allele origin: germline. Inheritance: Autosomal dominant inheritance. Observed: 1 variant allele, 1 heterozygote.
Comment: This study involves interpretation of variants in research participants for the purpose of population health screening. Participant phenotype was not available at the time of variant classification. Additional details can be found in publication PMID: 35346344, PMCID: PMC8962531

Myriad Genetics, Inc.
Classification: Benign for Familial adenomatous polyposis 1. Last evaluated: 2024-02-23. Review status: criteria provided, single submitter. Criteria: Myriad Autosomal Dominant, Autosomal Recessive and X-Linked Classification Criteria (2023). Collection method: clinical testing. Allele origin: unknown.
Comment: This variant is considered benign. This variant is a silent/synonymous amino acid change and it is not expected to impact splicing.

CeGaT Center for Human Genetics Tuebingen
Classification: Likely benign. Last evaluated: 2022-09-01. Review status: criteria provided, single submitter. Criteria: CeGaT Center For Human Genetics Tuebingen Variant Classification Criteria Version 2. Collection method: clinical testing. Allele origin: germline. Affected: yes. Observed: 1 variant allele.
Comment: APC: PM2:Supporting, BP4, BP7

Color Diagnostics, LLC DBA Color Health
Classification: Likely benign for Hereditary cancer-predisposing syndrome. Last evaluated: 2017-03-30. Review status: criteria provided, single submitter. Criteria: ACMG Guidelines, 2015. Collection method: clinical testing. Allele origin: germline.

Ambry Genetics
Classification: Likely benign for Hereditary cancer-predisposing syndrome. Last evaluated: 2016-03-28. Review status: criteria provided, single submitter. Criteria: Ambry Variant Classification Scheme 2023. Collection method: clinical testing. Allele origin: germline.

PreventionGenetics, part of Exact Sciences
Classification: Likely benign for APC-related condition. Last evaluated: 2022-03-22. Review status: no assertion criteria provided. Collection method: clinical testing. Allele origin: germline. Not counted in ClinVar's aggregate classification.
Comment: This variant is classified as likely benign based on ACMG/AMP sequence variant interpretation guidelines (Richards et al. 2015 PMID: 25741868, with internal and published modifications).

NM_000038.6(APC):c.414G>A (p.Glu138=)

Gene: APC (APC regulator of Wnt signaling pathway; plus strand). Cytogenetic location: 5q22.2.
Variant type: single nucleotide variant.
Coding change: c.414G>A on transcript NM_000038.6 (MANE Select); coding-DNA position 414, G replaced by A.
Protein change: p.Glu138=; no amino-acid change (glutamic acid 138 retained).
Molecular consequence: synonymous variant. On other transcripts: 5 prime UTR variant (1).
Genome position (GRCh38, 1-based): chr5:112,767,382, G>A. VCF-style: chr5-112767382-G-A. GRCh37 (hg19) VCF-style: chr5-112103079-G-A.
Other names: c.414G>A, p.Glu138= (NM_001127510.3, NM_001354895.2, NM_001354896.2 and 2 more transcripts); c.444G>A, p.Glu148= (NM_001127511.3, NM_001354897.2, NM_001354902.2); c.339G>A, p.Glu113= (NM_001354898.2, NM_001354904.2); c.237G>A, p.Glu79= (NM_001354900.2, NM_001354901.2, NM_001354905.2); c.-622G>A (NM_001354906.2).
Identifiers: ClinVar variation 486748 (VCV000486748.46), dbSNP rs1554069845, ClinGen allele CA445753437.